The following is an entry in ClinVar:

NM_181523.3(PIK3R1):c.406G>A (p.Val136Met)

Gene: PIK3R1 (phosphoinositide-3-kinase regulatory subunit 1; plus strand). Cytogenetic location: 5q13.1.
Variant type: single nucleotide variant.
Coding change: c.406G>A on transcript NM_181523.3 (MANE Select); coding-DNA position 406, G replaced by A.
Protein change: p.Val136Met; replaces valine 136 with methionine.
Molecular consequence: missense variant.
Genome position (GRCh38, 1-based): chr5:68,273,461, G>A. VCF-style: chr5-68273461-G-A. GRCh37 (hg19) VCF-style: chr5-67569289-G-A.
Other names: short protein forms V136M.
Identifiers: ClinVar variation 1337679 (VCV001337679.9), dbSNP rs539374043, ClinGen allele CA3290008.
Genomic context (GRCh38, chr5:68,273,461, plus strand): 5'-CCGGATCTTGCAGAGCAGTTTGCCCCTCCTGACATTGCCCCGCCTCTTCTTATCAAGCTC[G>A]TGGAAGCCATTGAAAAGAAAGGTAACCAGACTGCTAGAGGGCATCAGTTCCTTTGTTCTA-3'
Protein context (NP_852664.1, residues 126-146): DIAPPLLIKL[Val136Met]EAIEKKGLEC

ClinVar aggregate classification (germline): Uncertain significance. Review status: criteria provided, multiple submitters, no conflicts (2 of 4 stars). 3 submissions from 3 submitters: Uncertain significance (2). 1 of the submissions does not count toward it. Last evaluated 2026-01-08.

Conditions:
Activated PI3K-delta syndrome. Identifiers: Orphanet 397596, MedGen C3714976, MONDO:0018338.
SHORT syndrome. Also called: LIPODYSTROPHY, PARTIAL, WITH RIEGER ANOMALY AND SHORT STATURE; PIK3R1-Related SHORT Syndrome; SHORT STATURE, HYPEREXTENSIBILITY, HERNIA, OCULAR DEPRESSION, RIEGER ANOMALY, AND TEETHING DELAY. Identifiers: Orphanet 3163, MedGen C0878684, MONDO:0010026, OMIM 269880.
Agammaglobulinemia 7, autosomal recessive (AGM7). Also called: AGAMMAGLOBULINEMIA, AUTOSOMAL RECESSIVE, DUE TO PIK3R1 DEFECT. Identifiers: MedGen C3554689, MONDO:0014083, OMIM 615214.
Immunodeficiency 36 with lymphoproliferation. Also called: ACTIVATED PI3K-DELTA SYNDROME 2; Activated PI3K Delta Syndrome Type 2 (APDS2); Immunodeficiency 36. Identifiers: Orphanet 397596, Orphanet 693681, MedGen C4014934, MONDO:0014453, OMIM 616005.

Allele frequency attached by ClinVar (database versions not stated): 1000 Genomes Project 30x 0.00016; 1000 Genomes Project 0.00020.
gnomAD v4.1: 65 of 1,613,944 alleles (0.004%); highest among the groups gnomAD compares: Middle Eastern, 0.017%; no homozygotes.

Submissions (3):

Labcorp Genetics (formerly Invitae), Labcorp
Classification: Uncertain significance for SHORT syndrome; Immunodeficiency 36 with lymphoproliferation; Agammaglobulinemia 7, autosomal recessive. Last evaluated: 2026-01-08. Review status: criteria provided, single submitter. Criteria: Invitae Variant Classification Sherloc (09022015). Collection method: clinical testing. Allele origin: germline.
Comment: This sequence change replaces valine, which is neutral and non-polar, with methionine, which is neutral and non-polar, at codon 136 of the PIK3R1 protein (p.Val136Met). This variant is present in population databases (rs539374043, gnomAD 0.008%). This variant has not been reported in the literature in individuals affected with PIK3R1-related conditions. ClinVar contains an entry for this variant (Variation ID: 1337679). An algorithm developed to predict the effect of missense changes on protein structure and function (PolyPhen-2) suggests that this variant is likely to be tolerated. In summary, the available evidence is currently insufficient to determine the role of this variant in disease. Therefore, it has been classified as a Variant of Uncertain Significance.

Genetic Services Laboratory, University of Chicago
Classification: Uncertain significance. Last evaluated: 2020-09-15. Review status: criteria provided, single submitter. Criteria: ACMG Guidelines, 2015. Collection method: clinical testing. Allele origin: germline. Affected: no.
Comment: DNA sequence analysis of the PIK3R1 gene demonstrated a sequence change, c.406G>A, in exon 3 that results in an amino acid change, p.Val136Met. This sequence change does not appear to have been previously described in patients with PIK3R1-related disorders and has been described in the gnomAD database with a low population frequency of 0.0042% (dbSNP rs539374043). The p.Val136Met change affects a poorly conserved amino acid residue located in a domain of the PIK3R1 protein that is known to be functional. The p.Val136Met substitution appears to be benign using several in-silico pathogenicity prediction tools (SIFT, PolyPhen2, Align GVGD, REVEL). Due to these contrasting evidences and the lack of functional studies, the clinical significance of the p.Val136Met change remains unknown at this time.

Rarefied Biosciences Lab
Classification: Likely benign for Activated PI3K-delta syndrome. Review status: no assertion criteria provided. Collection method: research. Allele origin: germline, not applicable. Affected: yes. Functional consequence: gain_of_function_variant. Not counted in ClinVar's aggregate classification.
Comment: The PIK3R1 c.406G>A (p.Val136Met) variant results in a missense substitution of valine to methionine at codon 136. This residue has low conservation, with a phyloP100 score of 0.185, indicating it is not highly constrained across species. The variant is present in gnomAD Exomes at a frequency of 0.000039, which is within the range observed for benign variants. Functional immune profiling demonstrated T follicular helper (TFH) cells at 1.31%, which is abnormally lower than control levels, and transitional B cells at 8.2%, which falls within the normal range. Additionally, no aberrant activation of the mTOR signaling pathway was observed, indicating that PI3K signaling remains unaffected. Computational predictions further support a benign classification, with an AlphaMissense score of 0.2523 (Benign Supporting). No published studies have linked this variant to disease. Given the absence of functional impact, normal immune parameters, lack of mTOR activation, and benign computational predictions, PIK3R1 c.406G>A (p.Val136Met) is classified as Likely Benign

Literature cited by the submitters: PubMed 31031754 (cited by Rarefied Biosciences Lab).